The following is an entry in ClinVar:

NM_002691.4(POLD1):c.-1-25_16del

Gene: POLD1 (DNA polymerase delta 1, catalytic subunit; plus strand). Cytogenetic location: 19q13.33.
Variant type: Deletion.
Coding change: c.-1-25_16del on transcript NM_002691.4 (MANE Select); 25 bases into the intron before 1 bases upstream of the start codon through coding-DNA position 16, 42 bases deleted.
Molecular consequence: splice acceptor variant, initiator codon variant.
Genome position (GRCh38, 1-based): chr19:50,398,826-50,398,867, 42 bases deleted; deleting any 42 consecutive bases within chr19:50,398,825-50,398,867 gives the same sequence; the c. name uses the placement nearest the transcript's 3' end. GRCh37 (hg19): chr19:50,902,083-50,902,124.
Other names: c.-4-22_16del (NM_001256849.1).
Identifiers: ClinVar variation 2853073 (VCV002853073.3), dbSNP rs2513931619, ClinGen allele CA2739276992.

ClinVar aggregate classification (germline): Uncertain significance (1 of 4 stars; one submission).

Conditions:
POLD1-related polyposis and colorectal cancer syndrome (CRCS10). Also called: Colorectal cancer 10; COLORECTAL CANCER, SUSCEPTIBILITY TO, ON CHROMOSOME 19q; Colorectal cancer, susceptibility to, 10. Identifiers: Orphanet 220460, MedGen C2675481, MONDO:0012953, OMIM 612591.

Submission:

Labcorp Genetics (formerly Invitae), Labcorp
Classification: Uncertain significance for POLD1-related polyposis and colorectal cancer syndrome. Last evaluated: 2023-04-07. Review status: criteria provided, single submitter. Criteria: Invitae Variant Classification Sherloc (09022015). Collection method: clinical testing. Allele origin: germline.
Comment: In summary, the available evidence is currently insufficient to determine the role of this variant in disease. Therefore, it has been classified as a Variant of Uncertain Significance. Algorithms developed to predict the effect of sequence changes on RNA splicing suggest that this variant may disrupt the consensus splice site. This variant has not been reported in the literature in individuals affected with POLD1-related conditions. This variant is not present in population databases (gnomAD no frequency). This sequence change affects the initiator methionine of the POLD1 mRNA. The next in-frame methionine is located at codon 41.